The following is an entry in ClinVar:

NM_016734.3(PAX5):c.823G>A (p.Asp275Asn)

Gene: PAX5 (paired box 5; minus strand). Cytogenetic location: 9p13.2.
Variant type: single nucleotide variant.
Coding change: c.823G>A on transcript NM_016734.3 (MANE Select); coding-DNA position 823, G replaced by A.
Protein change: p.Asp275Asn; replaces aspartic acid 275 with asparagine.
Molecular consequence: missense variant. On other transcripts: intron variant (2).
Genome position (GRCh38, 1-based): chr9:36,923,442, C>T on the plus strand (G>A on the coding strand, the complement: PAX5 is on the minus strand). VCF-style: chr9-36923442-C-T. GRCh37 (hg19) VCF-style: chr9-36923439-C-T.
Other names: c.823G>A, p.Asp275Asn (NM_001280552.2, NM_001280547.2, NM_001280548.2); c.694G>A, p.Asp232Asn (NM_001280553.2, NM_001280554.2); c.625G>A, p.Asp209Asn (NM_001280555.2); c.499G>A, p.Asp167Asn (NM_001280556.2, NM_001280551.2); c.780+43107G>A (NM_001280550.2, NM_001280549.2); short protein forms D167N, D209N, D232N, D275N.
Identifiers: ClinVar variation 3928304 (VCV003928304.1).

ClinVar aggregate classification (germline): Uncertain significance (1 of 4 stars; one submission).

Conditions:
Inborn genetic diseases. Identifiers: MedGen C0950123, MeSH D030342.

Submission:

Ambry Genetics
Classification: Uncertain significance for Inborn genetic diseases. Last evaluated: 2025-04-20. Review status: criteria provided, single submitter. Criteria: Ambry Variant Classification Scheme 2023. Collection method: clinical testing. Allele origin: germline.
Comment: The p.D275N variant (also known as c.823G>A), located in coding exon 7 of the PAX5 gene, results from a G to A substitution at nucleotide position 823. The aspartic acid at codon 275 is replaced by asparagine, an amino acid with highly similar properties. This amino acid position is conserved. In addition, the in silico prediction for this alteration is inconclusive. Based on the available evidence, the clinical significance of this variant remains unclear.